The following is an entry in ClinVar:

NM_001267550.2(TTN):c.31778A>G (p.Lys10593Arg)

Gene: TTN (titin; minus strand). Cytogenetic location: 2q31.2.
Variant type: single nucleotide variant.
Coding change: c.31778A>G on transcript NM_001267550.2 (MANE Select); coding-DNA position 31778, A replaced by G.
Protein change: p.Lys10593Arg; replaces lysine 10593 with arginine.
Molecular consequence: missense variant. On other transcripts: intron variant (3).
Genome position (GRCh38, 1-based): chr2:178,689,881, T>C on the plus strand (A>G on the coding strand, the complement: TTN is on the minus strand). VCF-style: chr2-178689881-T-C. GRCh37 (hg19) VCF-style: chr2-179554608-T-C.
Other names: c.30827A>G, p.Lys10276Arg (NM_001256850.1); c.28046A>G, p.Lys9349Arg (NM_133378.4); c.13283-47564A>G (NM_003319.4); c.13859-47564A>G (NM_133437.4); c.13658-47564A>G (NM_133432.3); short protein forms K10276R, K10593R, K9349R.
Identifiers: ClinVar variation 2438123 (VCV002438123.9), dbSNP rs1432279234, ClinGen allele CA349557705.
Genomic context (GRCh38, chr2:178,689,881, plus strand): 5'-GGGGGAGCTTCCTTTTTCTTTGCAACAGGAACGGGAATCTTTTCTTCAGGGACAGGTTTC[T>C]TTGGCACCTCTGGGACTTAAAGTTTTTGAAACACAATGTTAGTTCAGACATATATCACTT-3'
Protein context (NP_001254479.2, residues 10583-10603): AAPPKVPEVP[Lys10593Arg]KPVPEEKIPV

ClinVar aggregate classification (germline): Uncertain significance. Review status: criteria provided, multiple submitters, no conflicts (2 of 4 stars). 2 submissions from 2 submitters: Uncertain significance (2). Last evaluated 2025-10-01.

Allele frequency attached by ClinVar (database versions not stated): gnomAD exomes below 0.00001; gnomAD 0.00001; TOPMed 0.00002.
gnomAD v4.1: 5 of 1,613,322 alleles (0.00031%); highest among the groups gnomAD compares: African/African-American, 0.0067%; no homozygotes.

Submissions (2):

CeGaT Center for Human Genetics Tuebingen
Classification: Uncertain significance. Last evaluated: 2025-10-01. Review status: criteria provided, single submitter. Criteria: CeGaT Center For Human Genetics Tuebingen Variant Classification Criteria Version 2. Collection method: clinical testing. Allele origin: germline. Affected: yes. Observed: 1 variant allele.
Comment: TTN: PM2, BP4

Revvity Omics, Revvity
Classification: Uncertain significance. Last evaluated: 2021-02-23. Review status: criteria provided, single submitter. Criteria: ACMG Guidelines, 2015. Collection method: clinical testing. Allele origin: germline.